The following is an entry in ClinVar:

NM_000540.3(RYR1):c.8310+1G>A

Gene: RYR1 (ryanodine receptor 1; plus strand). Cytogenetic location: 19q13.2.
Variant type: single nucleotide variant.
Coding change: c.8310+1G>A on transcript NM_000540.3 (MANE Select); the canonical splice donor site of the intron after coding-DNA position 8310, G replaced by A.
Molecular consequence: splice donor variant.
Genome position (GRCh38, 1-based): chr19:38,505,082, G>A. VCF-style: chr19-38505082-G-A. GRCh37 (hg19) VCF-style: chr19-38995722-G-A.
Other names: c.8310+1G>A (NM_001042723.2).
Identifiers: ClinVar variation 3693975 (VCV003693975.2).

ClinVar aggregate classification (germline): Likely pathogenic (1 of 4 stars; one submission).

Conditions:
RYR1-related disorder. Also called: RYR1-related condition; RYR1-related disorders. Identifiers: MedGen CN239331.

Submission:

Labcorp Genetics (formerly Invitae), Labcorp
Classification: Likely pathogenic for RYR1-related disorder. Last evaluated: 2024-02-27. Review status: criteria provided, single submitter. Criteria: Invitae Variant Classification Sherloc (09022015). Collection method: clinical testing. Allele origin: germline.
Comment: This sequence change affects a donor splice site in intron 52 of the RYR1 gene. It is expected to disrupt RNA splicing. Variants that disrupt the donor or acceptor splice site typically lead to a loss of protein function (PMID: 16199547), and loss-of-function variants in RYR1 are known to be pathogenic (PMID: 23919265, 25960145, 28818389, 30611313). This variant is not present in population databases (gnomAD no frequency). Disruption of this splice site has been observed in individual(s) with clinical features of autosomal recessive RYR1-related conditions (PMID: 29382405). Algorithms developed to predict the effect of sequence changes on RNA splicing suggest that this variant may disrupt the consensus splice site. In summary, the currently available evidence indicates that the variant is pathogenic, but additional data are needed to prove that conclusively. Therefore, this variant has been classified as Likely Pathogenic.

Literature cited by the submitters: PubMed 16199547; PubMed 23919265; PubMed 25960145; PubMed 28818389; PubMed 30611313; PubMed 29382405.